The following is an entry in ClinVar:

ClinVar aggregate classification (germline): Likely benign. Review status: criteria provided, multiple submitters, no conflicts (2 of 4 stars). 4 submissions from 4 submitters: Likely benign (4). Last evaluated 2026-01-31.

Conditions:
Primary ciliary dyskinesia. Also called: Ciliary dyskinesia. Identifiers: Orphanet 244, MedGen C0008780, MONDO:0016575, HP:0012265.

Submissions (4):

Labcorp Genetics (formerly Invitae), Labcorp
Classification: Likely benign for Primary ciliary dyskinesia. Last evaluated: 2026-01-31. Review status: criteria provided, single submitter. Criteria: Invitae Variant Classification Sherloc (09022015). Collection method: clinical testing. Allele origin: germline.

Mayo Clinic Laboratories, Mayo Clinic
Classification: Likely benign. Last evaluated: 2025-09-30. Review status: criteria provided, single submitter. Criteria: ACMG Guidelines, 2015. Collection method: clinical testing. Allele origin: germline. Observed: 1 variant allele.
Comment: BS1, BP4, BP7

Blueprint Genetics
Classification: Likely benign. Last evaluated: 2024-06-26. Review status: criteria provided, single submitter. Criteria: ACMG Guidelines, 2015. Collection method: clinical testing. Allele origin: germline.

Eurofins Ntd Llc (ga)
Classification: Likely benign. Last evaluated: 2015-07-10. Review status: criteria provided, single submitter. Criteria: EGL Classification Definitions. Collection method: clinical testing. Allele origin: germline. Observed: 1 variant allele, 1 heterozygote.

NM_001369.3(DNAH5):c.7888-6dup

Gene: DNAH5 (dynein axonemal heavy chain 5; minus strand). Cytogenetic location: 5p15.2.
Variant type: Duplication.
Coding change: c.7888-6dup on transcript NM_001369.3 (MANE Select); 6 bases into the intron before coding-DNA position 7888, one base duplicated (T; older notation c.7888-6dupT).
Molecular consequence: intron variant.
Genome position (GRCh38, 1-based): chr5:13,794,064, A duplicated on the plus strand (T on the coding strand, the reverse complement: DNAH5 is on the minus strand); the first of 9 consecutive A bases (chr5:13,794,064-13,794,072); duplicating any one gives the same sequence. VCF-style (leftmost placement, unchanged base first): chr5-13794063-G-GA. GRCh37 (hg19) VCF-style: chr5-13794172-G-GA.
Other names: p.?; c.7888-6dup (NM_001369.2).
Identifiers: ClinVar variation 281780 (VCV000281780.17), dbSNP rs745582136, ClinGen allele CA3202964.